The following is an entry in ClinVar:

ClinVar aggregate classification (germline): Uncertain significance (1 of 4 stars; one submission).

Conditions:
Neuropathy, hereditary sensory and autonomic, type 2A (HSAN2A). Also called: WNK1-Related HSAN2 (HSAN2A); ACROOSTEOLYSIS, GIACCAI TYPE; ACROOSTEOLYSIS, NEUROGENIC; MORVAN DISEASE; NEUROPATHY, CONGENITAL SENSORY; NEUROPATHY, HEREDITARY SENSORY RADICULAR, AUTOSOMAL RECESSIVE. Identifiers: Orphanet 970, MedGen C2752089, MONDO:0024309, OMIM 201300.
Generalized epilepsy with febrile seizures plus, type 7 (GEFSP7). Also called: GEFS+, TYPE 7. Identifiers: Orphanet 36387, MedGen C2751778, MONDO:0013470, OMIM 613863.

Submission:

Labcorp Genetics (formerly Invitae), Labcorp
Classification: Uncertain significance for Neuropathy, hereditary sensory and autonomic, type 2A; Generalized epilepsy with febrile seizures plus, type 7. Last evaluated: 2025-10-01. Review status: criteria provided, single submitter. Criteria: Invitae Variant Classification Sherloc (09022015). Collection method: clinical testing. Allele origin: germline.
Comment: This variant, c.5773_5775del, results in the deletion of 1 amino acid(s) of the SCN9A protein (p.Asn1925del), but otherwise preserves the integrity of the reading frame. This variant is not present in population databases (gnomAD no frequency). This variant has not been reported in the literature in individuals affected with SCN9A-related conditions. Experimental studies and prediction algorithms are not available or were not evaluated, and the functional significance of this variant is currently unknown. In summary, the available evidence is currently insufficient to determine the role of this variant in disease. Therefore, it has been classified as a Variant of Uncertain Significance.

NM_001365536.1(SCN9A):c.5806_5808del (p.Asn1936del)

Genes: SCN1A-AS1 (SCN1A and SCN9A antisense RNA 1; plus strand), SCN9A (sodium voltage-gated channel alpha subunit 9; minus strand). Cytogenetic location: 2q24.3.
Variant type: Deletion.
Coding change: c.5806_5808del on transcript NM_001365536.1 (MANE Select); coding-DNA positions 5806 to 5808, 3 bases deleted (AAT; older notation c.5806_5808delAAT).
Protein change: p.Asn1936del; deletes asparagine 1936.
Genome position (GRCh38, 1-based): chr2:166,198,831-166,198,833, ATT deleted on the plus strand (AAT on the coding strand, the reverse complement: SCN9A is on the minus strand); deleting any 3 consecutive bases within chr2:166,198,831-166,198,835 gives the same sequence; the c. name uses the placement nearest the transcript's 3' end. VCF-style (leftmost placement, unchanged base first): chr2-166198830-CATT-C. GRCh37 (hg19) VCF-style: chr2-167055340-CATT-C.
Other names: c.5773_5775del, p.Asn1925del (NM_002977.4); short protein forms N1925del, N1936del.
Identifiers: ClinVar variation 4785923 (VCV004785923.1).